The following is an entry in ClinVar:

NM_014712.3(SETD1A):c.4562T>C (p.Leu1521Pro)

Gene: SETD1A (SET domain containing 1A, histone lysine methyltransferase; plus strand). Cytogenetic location: 16p11.2.
Variant type: single nucleotide variant.
Coding change: c.4562T>C on transcript NM_014712.3 (MANE Select); coding-DNA position 4562, T replaced by C.
Protein change: p.Leu1521Pro; replaces leucine 1521 with proline.
Molecular consequence: missense variant.
Genome position (GRCh38, 1-based): chr16:30,980,638, T>C. VCF-style: chr16-30980638-T-C. GRCh37 (hg19) VCF-style: chr16-30991959-T-C.
Other names: short protein forms L1521P.
Identifiers: ClinVar variation 2574774 (VCV002574774.1), dbSNP rs2543908818, ClinGen allele CA395633706.
Genomic context (GRCh38, chr16:30,980,638, plus strand): 5'-CCATCAGCAAGAAGGAGAAGGACAAGTACCTGGACGTGTGCCCAGTCTCGGCCCGGCAGC[T>C]GGAGGGCGTGGACACTCAGGTGGGCCTAACCCCGCCGCCGCGTCCTCCTGCCACTCACTT-3'
Protein context (NP_055527.1, residues 1511-1531): LDVCPVSARQ[Leu1521Pro]EGVDTQGTNR

ClinVar aggregate classification (germline): Uncertain significance (1 of 4 stars; one submission).

Submission:

GeneDx
Classification: Uncertain significance. Last evaluated: 2023-01-26. Review status: criteria provided, single submitter. Criteria: GeneDx Variant Classification Process June 2021. Collection method: clinical testing. Allele origin: germline. Affected: yes.
Comment: Not observed at significant frequency in large population cohorts (gnomAD); In silico analysis supports that this missense variant does not alter protein structure/function; Has not been previously published as pathogenic or benign to our knowledge